The following is an entry in ClinVar:

ClinVar aggregate classification (germline): Uncertain significance (1 of 4 stars; one submission).

Conditions:
Inborn genetic diseases. Identifiers: MedGen C0950123, MeSH D030342.

Allele frequency attached by ClinVar (database versions not stated): gnomAD exomes below 0.00001; TOPMed below 0.00001; gnomAD 0.00001.
gnomAD v4.1: 7 of 1,613,758 alleles (0.00043%); highest among the groups gnomAD compares: African/African-American, 0.0013%; no homozygotes.

Submission:

Ambry Genetics
Classification: Uncertain significance for Inborn genetic diseases. Last evaluated: 2016-09-12. Review status: criteria provided, single submitter. Criteria: Ambry Variant Classification Scheme 2023. Collection method: clinical testing. Allele origin: germline.
Comment: The p.Y303C variant (also known as c.908A>G), located in coding exon 7 of the PACS1 gene, results from an A to G substitution at nucleotide position 908. The tyrosine at codon 303 is replaced by cysteine, an amino acid with highly dissimilar properties. This variant was not reported in population based cohorts in the following databases: Database of Single Nucleotide Polymorphisms (dbSNP), NHLBI Exome Sequencing Project (ESP), and 1000 Genomes Project. In the ESP, this variant was not observed in 6496 samples (12992 alleles) with coverage at this position. This amino acid position is highly conserved through mammals but not in all available vertebrate species. In addition, this alteration is predicted to be tolerated by in silico analysis. Since supporting evidence is limited at this time, the clinical significance of this variant remains unclear.

NM_018026.4(PACS1):c.908A>G (p.Tyr303Cys)

Gene: PACS1 (phosphofurin acidic cluster sorting protein 1; plus strand). Cytogenetic location: 11q13.2.
Variant type: single nucleotide variant.
Coding change: c.908A>G on transcript NM_018026.4 (MANE Select); coding-DNA position 908, A replaced by G.
Protein change: p.Tyr303Cys; replaces tyrosine 303 with cysteine.
Molecular consequence: missense variant.
Genome position (GRCh38, 1-based): chr11:66,216,705, A>G. VCF-style: chr11-66216705-A-G. GRCh37 (hg19) VCF-style: chr11-65984176-A-G.
Other names: short protein forms Y303C.
Identifiers: ClinVar variation 589385 (VCV000589385.5), dbSNP rs1454114391, ClinGen allele CA381350992.